The following is an entry in ClinVar:

ClinVar aggregate classification (germline): Uncertain significance. Review status: criteria provided, multiple submitters, no conflicts (2 of 4 stars). 2 submissions from 2 submitters: Uncertain significance (2). Last evaluated 2025-08-25.

Conditions:
Autosomal dominant limb-girdle muscular dystrophy type 1F (LGMDD2). Also called: Limb-girdle muscular dystrophy, type 1F; MUSCULAR DYSTROPHY, LIMB-GIRDLE, AUTOSOMAL DOMINANT 2. Identifiers: Orphanet 55595, MedGen C1842062, MONDO:0012034, OMIM 608423.

gnomAD v4.1: 5 of 1,613,812 alleles (0.00031%); highest among the groups gnomAD compares: Non-Finnish European, 0.00042%; no homozygotes.

Submissions (2):

Labcorp Genetics (formerly Invitae), Labcorp
Classification: Uncertain significance for Autosomal dominant limb-girdle muscular dystrophy type 1F. Last evaluated: 2025-08-25. Review status: criteria provided, single submitter. Criteria: Invitae Variant Classification Sherloc (09022015). Collection method: clinical testing. Allele origin: germline.
Comment: This sequence change replaces isoleucine, which is neutral and non-polar, with methionine, which is neutral and non-polar, at codon 803 of the TNPO3 protein (p.Ile803Met). This variant is not present in population databases (gnomAD no frequency). This variant has not been reported in the literature in individuals affected with TNPO3-related conditions. ClinVar contains an entry for this variant (Variation ID: 3393700). Invitae Evidence Modeling of protein sequence and biophysical properties (such as structural, functional, and spatial information, amino acid conservation, physicochemical variation, residue mobility, and thermodynamic stability) indicates that this missense variant is not expected to disrupt TNPO3 protein function with a negative predictive value of 80%. In summary, the available evidence is currently insufficient to determine the role of this variant in disease. Therefore, it has been classified as a Variant of Uncertain Significance.

GeneDx
Classification: Uncertain significance. Last evaluated: 2024-07-01. Review status: criteria provided, single submitter. Criteria: GeneDx Variant Classification Process June 2021. Collection method: clinical testing. Allele origin: germline. Affected: yes.
Comment: Not observed at significant frequency in large population cohorts (gnomAD); In silico analysis indicates that this missense variant does not alter protein structure/function; Has not been previously published as pathogenic or benign to our knowledge

NM_012470.4(TNPO3):c.2409T>G (p.Ile803Met)

Gene: TNPO3 (transportin 3; minus strand). Cytogenetic location: 7q32.1.
Variant type: single nucleotide variant.
Coding change: c.2409T>G on transcript NM_012470.4 (MANE Select); coding-DNA position 2409, T replaced by G.
Protein change: p.Ile803Met; replaces isoleucine 803 with methionine.
Molecular consequence: missense variant. On other transcripts: non-coding transcript variant (18).
Genome position (GRCh38, 1-based): chr7:128,972,447, A>C on the plus strand (T>G on the coding strand, the complement: TNPO3 is on the minus strand). VCF-style: chr7-128972447-A-C. GRCh37 (hg19) VCF-style: chr7-128612501-A-C.
Other names: c.2217T>G, p.Ile739Met (NM_001191028.3, NM_001382223.1); c.2511T>G, p.Ile837Met (NM_001382216.1); c.2490T>G, p.Ile830Met (NM_001382217.1); c.2409T>G, p.Ile803Met (NM_001382218.1); c.2301T>G, p.Ile767Met (NM_001382219.1); c.2268T>G, p.Ile756Met (NM_001382220.1); c.2265T>G, p.Ile755Met (NM_001382221.1); c.2262T>G, p.Ile754Met (NM_001382222.1); short protein forms I739M, I754M, I803M, I837M, I755M, I756M, I767M, I830M.
Identifiers: ClinVar variation 3393700 (VCV003393700.3).
Genomic context (GRCh38, chr7:128,972,447, plus strand): 5'-AAAGCTGTTAAGTAGAAATGGTATCATTTTTATACTTACATCATTGGCTACCCCTGTATG[A>C]ATGAGGTCTCGTAGAAACCTCATGACACTACAATTGGCATCCCGGTGGTCCAGGGTAGTA-3'
Protein context (NP_036602.1, residues 793-813): CSVMRFLRDL[Ile803Met]HTGVANDHEE